The following is an entry in ClinVar:

ClinVar aggregate classification (germline): Uncertain significance. Review status: criteria provided, multiple submitters, no conflicts (2 of 4 stars). 2 submissions from 2 submitters: Uncertain significance (2). Last evaluated 2022-07-30.

Conditions:
Emery-Dreifuss muscular dystrophy 4, autosomal dominant (EDMD4). Also called: EMERY-DREIFUSS MUSCULAR DYSTROPHY 4 WITH VARIABLE FEATURES. Identifiers: Orphanet 261, MedGen C2751807, MONDO:0013071, OMIM 612998.
Autosomal recessive ataxia, Beauce type. Also called: SYNE1 Deficiency; ATAXIA, RECESSIVE, OF BEAUCE; Spinocerebellar ataxia, autosomal recessive 8; SYNE1-Related Autosomal Recessive Cerebellar Ataxia. Identifiers: Orphanet 88644, MedGen C1853116, MONDO:0012549, OMIM 610743.

Allele frequency attached by ClinVar (database versions not stated): gnomAD exomes below 0.00001; gnomAD 0.00001; TOPMed 0.00001.
gnomAD v4.1: 4 of 1,614,096 alleles (0.00025%); highest among the groups gnomAD compares: Admixed American, 0.005%; no homozygotes.

Submissions (2):

Labcorp Genetics (formerly Invitae), Labcorp
Classification: Uncertain significance for Emery-Dreifuss muscular dystrophy 4, autosomal dominant; Autosomal recessive ataxia, Beauce type. Last evaluated: 2022-07-30. Review status: criteria provided, single submitter. Criteria: Invitae Variant Classification Sherloc (09022015). Collection method: clinical testing. Allele origin: germline.
Comment: Algorithms developed to predict the effect of sequence changes on RNA splicing suggest that this variant may create or strengthen a splice site. In summary, the available evidence is currently insufficient to determine the role of this variant in disease. Therefore, it has been classified as a Variant of Uncertain Significance. Algorithms developed to predict the effect of missense changes on protein structure and function (SIFT, PolyPhen-2, Align-GVGD) all suggest that this variant is likely to be disruptive. This sequence change replaces alanine, which is neutral and non-polar, with glycine, which is neutral and non-polar, at codon 5444 of the SYNE1 protein (p.Ala5444Gly). This variant is not present in population databases (gnomAD no frequency). This variant has not been reported in the literature in individuals affected with SYNE1-related conditions. ClinVar contains an entry for this variant (Variation ID: 960862).

Blueprint Genetics
Classification: Uncertain significance. Last evaluated: 2022-01-18. Review status: criteria provided, single submitter. Criteria: ACMG Guidelines, 2015. Collection method: clinical testing. Allele origin: germline.

NM_182961.4(SYNE1):c.16544C>G (p.Ala5515Gly)

Gene: SYNE1 (spectrin repeat containing nuclear envelope protein 1; minus strand). Cytogenetic location: 6q25.2.
Variant type: single nucleotide variant.
Coding change: c.16544C>G on transcript NM_182961.4 (MANE Select); coding-DNA position 16544, C replaced by G.
Protein change: p.Ala5515Gly; replaces alanine 5515 with glycine.
Molecular consequence: missense variant.
Genome position (GRCh38, 1-based): chr6:152,318,109, G>C on the plus strand (C>G on the coding strand, the complement: SYNE1 is on the minus strand). VCF-style: chr6-152318109-G-C. GRCh37 (hg19) VCF-style: chr6-152639244-G-C.
Other names: c.16331C>G, p.Ala5444Gly (NM_033071.5); short protein forms A5444G, A5515G.
Identifiers: ClinVar variation 960862 (VCV000960862.12), dbSNP rs1021830711, ClinGen allele CA366111325.